The following is an entry in ClinVar:

ClinVar aggregate classification (germline): Pathogenic (1 of 4 stars; one submission).

Conditions:
Nemaline myopathy 10 (NEM10). Identifiers: MedGen C4015360, MONDO:0014513, OMIM 616165.

Allele frequency attached by ClinVar (database versions not stated): gnomAD exomes below 0.00001 and 0.00001; gnomAD 0.00002; TOPMed 0.00002.

Submission:

Labcorp Genetics (formerly Invitae), Labcorp
Classification: Pathogenic for Nemaline myopathy 10. Last evaluated: 2025-03-31. Review status: criteria provided, single submitter. Criteria: Invitae Variant Classification Sherloc (09022015). Collection method: clinical testing. Allele origin: germline.
Comment: This sequence change creates a premature translational stop signal (p.Pro44Argfs*15) in the LMOD3 gene. It is expected to result in an absent or disrupted protein product. Loss-of-function variants in LMOD3 are known to be pathogenic (PMID: 25250574). This variant is present in population databases (no rsID available, gnomAD 0.002%). This variant has not been reported in the literature in individuals affected with LMOD3-related conditions. ClinVar contains an entry for this variant (Variation ID: 2712484). For these reasons, this variant has been classified as Pathogenic.

Literature cited by the submitters: PubMed 25250574.

NM_198271.5(LMOD3):c.131_132del (p.Pro44fs)

Genes: LMOD3 (leiomodin 3; minus strand), LOC126806710 (CDK7 strongly-dependent group 2 enhancer GRCh37_chr3:69170601-69171800; plus strand). Cytogenetic location: 3p14.1.
Variant type: Deletion.
Coding change: c.131_132del on transcript NM_198271.5 (MANE Select); coding-DNA positions 131 to 132, 2 bases deleted (CT; older notation c.131_132delCT).
Protein change: p.Pro44fs; shifts the reading frame from proline 44.
Molecular consequence: frameshift variant.
Genome position (GRCh38, 1-based): chr3:69,122,255-69,122,256, AG deleted on the plus strand (CT on the coding strand, the reverse complement: LMOD3 is on the minus strand). VCF-style (leftmost placement, unchanged base first): chr3-69122254-CAG-C. GRCh37 (hg19) VCF-style: chr3-69171405-CAG-C.
Other names: c.131_132del, p.Pro44fs (NM_001304418.3); short protein forms P44fs.
Identifiers: ClinVar variation 2712484 (VCV002712484.3), dbSNP rs1300427865, ClinGen allele CA544004931.
Genomic context (GRCh38, chr3:69,122,254, plus strand): 5'-TTCCTGTCGGTGGCTTGTCAGTTTGATCTTTCTGAATCATTCCCACGGGAAGGCTGGGGT[CAG>C]GGGCCATGACTTCCATTTCCGACTGCAGTTCTTTCAGTTCTTCAGCAGACAAGTTGGCCA-3'